The following is an entry in ClinVar:

NM_001081.4(CUBN):c.1049C>T (p.Thr350Ile)

Gene: CUBN (cubilin; minus strand). Cytogenetic location: 10p13.
Variant type: single nucleotide variant.
Coding change: c.1049C>T on transcript NM_001081.4 (MANE Select); coding-DNA position 1049, C replaced by T.
Protein change: p.Thr350Ile; replaces threonine 350 with isoleucine.
Molecular consequence: missense variant.
Genome position (GRCh38, 1-based): chr10:17,109,702, G>A on the plus strand (C>T on the coding strand, the complement: CUBN is on the minus strand). VCF-style: chr10-17109702-G-A. GRCh37 (hg19) VCF-style: chr10-17151701-G-A.
Other names: short protein forms T350I.
Identifiers: ClinVar variation 2740149 (VCV002740149.3), dbSNP rs1836724311, ClinGen allele CA376164407.

ClinVar aggregate classification (germline): Uncertain significance (1 of 4 stars; one submission).

Conditions:
Imerslund-Grasbeck syndrome. Also called: Imerslund-Gräsbeck syndrome; Megaloblastic anemia due to inborn errors of metabolism; ENTEROCYTE COBALAMIN MALABSORPTION; ENTEROCYTE INTRINSIC FACTOR RECEPTOR, DEFECT OF; PERNICIOUS ANEMIA, JUVENILE, DUE TO SELECTIVE INTESTINAL MALABSORPTION OF VITAMIN B12, WITH PROTEINURIA. Identifiers: Orphanet 35858, MedGen C4551825, MONDO:0009853.

Allele frequency attached by ClinVar (database versions not stated): gnomAD exomes 0.00001.
gnomAD v4.1: 10 of 1,613,930 alleles (0.00062%); highest among the groups gnomAD compares: South Asian, 0.0022%; no homozygotes.

Submission:

Labcorp Genetics (formerly Invitae), Labcorp
Classification: Uncertain significance for Imerslund-Grasbeck syndrome. Last evaluated: 2024-10-14. Review status: criteria provided, single submitter. Criteria: Invitae Variant Classification Sherloc (09022015). Collection method: clinical testing. Allele origin: germline.
Comment: This sequence change replaces threonine, which is neutral and polar, with isoleucine, which is neutral and non-polar, at codon 350 of the CUBN protein (p.Thr350Ile). This variant is not present in population databases (gnomAD no frequency). This variant has not been reported in the literature in individuals affected with CUBN-related conditions. Invitae Evidence Modeling of protein sequence and biophysical properties (such as structural, functional, and spatial information, amino acid conservation, physicochemical variation, residue mobility, and thermodynamic stability) indicates that this missense variant is not expected to disrupt CUBN protein function with a negative predictive value of 80%. In summary, the available evidence is currently insufficient to determine the role of this variant in disease. Therefore, it has been classified as a Variant of Uncertain Significance.